The following is an entry in ClinVar:

NM_004612.4(TGFBR1):c.166G>A (p.Val56Ile)

Gene: TGFBR1 (transforming growth factor beta receptor 1; plus strand). Cytogenetic location: 9q22.33.
Variant type: single nucleotide variant.
Coding change: c.166G>A on transcript NM_004612.4 (MANE Select); coding-DNA position 166, G replaced by A.
Protein change: p.Val56Ile; replaces valine 56 with isoleucine.
Molecular consequence: missense variant.
Genome position (GRCh38, 1-based): chr9:99,128,923, G>A. VCF-style: chr9-99128923-G-A. GRCh37 (hg19) VCF-style: chr9-101891205-G-A.
Other names: c.166G>A, p.Val56Ile (NM_001130916.3, NM_001306210.2); short protein forms V56I.
Identifiers: ClinVar variation 1693347 (VCV001693347.2), dbSNP rs2118564689, ClinGen allele CA374225347.

ClinVar aggregate classification (germline): Uncertain significance (1 of 4 stars; one submission).

Submission:

GeneDx
Classification: Uncertain significance. Last evaluated: 2022-01-04. Review status: criteria provided, single submitter. Criteria: GeneDx Variant Classification Process June 2021. Collection method: clinical testing. Allele origin: germline. Affected: yes.
Comment: Has not been previously published as pathogenic or benign to our knowledge; Not observed at significant frequency in large population cohorts (gnomAD); In silico analysis supports that this missense variant does not alter protein structure/function